The following is an entry in ClinVar:

NM_004656.4(BAP1):c.1636T>C (p.Tyr546His)

Gene: BAP1 (BRCA1 associated deubiquitinase 1; minus strand). Cytogenetic location: 3p21.1.
Variant type: single nucleotide variant.
Coding change: c.1636T>C on transcript NM_004656.4 (MANE Select); coding-DNA position 1636, T replaced by C.
Protein change: p.Tyr546His; replaces tyrosine 546 with histidine.
Molecular consequence: missense variant.
Genome position (GRCh38, 1-based): chr3:52,403,509, A>G on the plus strand (T>C on the coding strand, the complement: BAP1 is on the minus strand). VCF-style: chr3-52403509-A-G. GRCh37 (hg19) VCF-style: chr3-52437525-A-G.
Other names: c.1582T>C, p.Tyr528His (NM_001410772.1); short protein forms Y528H, Y546H.
Identifiers: ClinVar variation 3893951 (VCV003893951.2).

ClinVar aggregate classification (germline): Conflicting classifications of pathogenicity. Review status: criteria provided, conflicting classifications (1 of 4 stars). 2 submissions from 2 submitters: Uncertain significance (1); Likely benign (1). Last evaluated 2026-09-02.

Conditions:
Hereditary cancer-predisposing syndrome. Also called: Hereditary Cancer Syndrome; Hereditary neoplastic syndrome; Neoplastic Syndromes, Hereditary; Tumor predisposition. Identifiers: Orphanet 140162, MedGen C0027672, MeSH D009386, MONDO:0015356.

gnomAD v4.1: 1 of 1,614,054 alleles (0.000062%); highest among the groups gnomAD compares: South Asian, 0.0011%; no homozygotes.

Submissions (2):

Ambry Genetics
Classification: Likely benign for Hereditary cancer-predisposing syndrome. Last evaluated: 2026-09-02. Review status: criteria provided, single submitter. Criteria: Ambry Variant Classification Scheme 2023. Collection method: clinical testing. Allele origin: germline.

Color Diagnostics, LLC DBA Color Health
Classification: Uncertain significance for Hereditary cancer-predisposing syndrome. Last evaluated: 2024-06-18. Review status: criteria provided, single submitter. Criteria: ACMG Guidelines, 2015. Collection method: clinical testing. Allele origin: germline.
Comment: This missense variant replaces tyrosine with histidine at codon 546 of the BAP1 protein. Computational prediction suggests that this variant may not impact protein structure and function. To our knowledge, functional studies have not been reported for this variant. This variant has not been reported in individuals affected with BAP1-related disorders in the literature. This variant has not been identified in the general population by the Genome Aggregation Database (gnomAD). The available evidence is insufficient to determine the role of this variant in disease conclusively. Therefore, this variant is classified as a Variant of Uncertain Significance.